The following is an entry in ClinVar:

NM_001330311.2(DVL1):c.769+7C>T

Gene: DVL1 (dishevelled segment polarity protein 1; minus strand). Cytogenetic location: 1p36.33.
Variant type: single nucleotide variant.
Coding change: c.769+7C>T on transcript NM_001330311.2 (MANE Select); 7 bases into the intron after coding-DNA position 769, C replaced by T.
Molecular consequence: intron variant.
Genome position (GRCh38, 1-based): chr1:1,340,240, G>A on the plus strand (C>T on the coding strand, the complement: DVL1 is on the minus strand). VCF-style: chr1-1340240-G-A. GRCh37 (hg19) VCF-style: chr1-1275620-G-A.
Other names: c.769+7C>T (NM_004421.3).
Identifiers: ClinVar variation 2907444 (VCV002907444.24), dbSNP rs368188049, ClinGen allele CA520438.
Genomic context (GRCh38, chr1:1,340,240, plus strand): 5'-GCAGGAAGAGCCATGAGCCGCGGCCAAGCCCCTGCCCCTGCCCCCAACCCTCGCCCCGAG[G>A]CCTCACCCATGTTGAGCGTGACAGTGACGATGTTGAGGGACATGGTGGAGTCGGTTATGC-3'

ClinVar aggregate classification (germline): Conflicting classifications of pathogenicity. Review status: criteria provided, conflicting classifications (1 of 4 stars). 2 submissions from 2 submitters: Uncertain significance (1); Likely benign (1). Last evaluated 2024-03-01.

Allele frequency attached by ClinVar (database versions not stated): TOPMed 0.00001; gnomAD 0.00002; ExAC 0.00003; ESP Exome Variant Server 0.00008.

Submissions (2):

CeGaT Center for Human Genetics Tuebingen
Classification: Uncertain significance. Last evaluated: 2024-03-01. Review status: criteria provided, single submitter. Criteria: CeGaT Center For Human Genetics Tuebingen Variant Classification Criteria Version 2. Collection method: clinical testing. Allele origin: germline. Affected: yes. Observed: 1 variant allele.
Comment: DVL1: PM2:Supporting, BP4

Labcorp Genetics (formerly Invitae), Labcorp
Classification: Likely benign. Last evaluated: 2023-09-29. Review status: criteria provided, single submitter. Criteria: Invitae Variant Classification Sherloc (09022015). Collection method: clinical testing. Allele origin: germline.